The following is an entry in ClinVar:

NM_006206.6(PDGFRA):c.1293G>T (p.Gln431His)

Gene: PDGFRA (platelet derived growth factor receptor alpha; plus strand). Cytogenetic location: 4q12.
Variant type: single nucleotide variant.
Coding change: c.1293G>T on transcript NM_006206.6 (MANE Select); coding-DNA position 1293, G replaced by T.
Protein change: p.Gln431His; replaces glutamine 431 with histidine.
Molecular consequence: missense variant.
Genome position (GRCh38, 1-based): chr4:54,272,449, G>T. VCF-style: chr4-54272449-G-T. GRCh37 (hg19) VCF-style: chr4-55138616-G-T.
Other names: c.1293G>T, p.Gln431His (NM_001347827.2, NM_001347829.2); c.1368G>T, p.Gln456His (NM_001347828.2); c.1332G>T, p.Gln444His (NM_001347830.2); short protein forms Q431H, Q444H, Q456H.
Identifiers: ClinVar variation 5026397 (VCV005026397.1).
Genomic context (GRCh38, chr4:54,272,449, plus strand): 5'-TGCAGTTCCTTCATCCATTCTGGACTTGGTCGATGATCACCATGGCTCAACTGGGGGACA[G>T]ACGGTGAGGTGCACAGCTGAAGGCACGCCGCTTCCTGATATTGAGTGGATGATATGCAAA-3'
Protein context (NP_006197.1, residues 421-441): VDDHHGSTGG[Gln431His]TVRCTAEGTP

ClinVar aggregate classification (germline): Uncertain significance (1 of 4 stars; one submission).

Conditions:
Hereditary cancer-predisposing syndrome. Also called: Neoplastic Syndromes, Hereditary; Tumor predisposition; Hereditary neoplastic syndrome; Hereditary Cancer Syndrome. Identifiers: Orphanet 140162, MedGen C0027672, MeSH D009386, MONDO:0015356.

Submission:

Ambry Genetics
Classification: Uncertain significance for Hereditary cancer-predisposing syndrome. Last evaluated: 2026-06-23. Review status: criteria provided, single submitter. Criteria: Ambry Variant Classification Scheme 2023. Collection method: clinical testing. Allele origin: germline.
Comment: The p.Q431H variant (also known as c.1293G>T), located in coding exon 8 of the PDGFRA gene, results from a G to T substitution at nucleotide position 1293. The glutamine at codon 431 is replaced by histidine, an amino acid with highly similar properties. This amino acid position is highly conserved in available vertebrate species. In addition, this alteration is predicted to be tolerated by in silico analysis. Based on the available evidence, the clinical significance of this variant remains unclear.